The following is an entry in ClinVar:

NM_177438.3(DICER1):c.2233C>T (p.Arg745Ter)

Gene: DICER1 (dicer 1, ribonuclease III; minus strand). Cytogenetic location: 14q32.13.
Variant type: single nucleotide variant.
Coding change: c.2233C>T on transcript NM_177438.3 (MANE Select); coding-DNA position 2233, C replaced by T.
Protein change: p.Arg745Ter; replaces arginine 745 with a stop codon.
Molecular consequence: nonsense.
Genome position (GRCh38, 1-based): chr14:95,111,340, G>A on the plus strand (C>T on the coding strand, the complement: DICER1 is on the minus strand). VCF-style: chr14-95111340-G-A. GRCh37 (hg19) VCF-style: chr14-95577677-G-A.
Other names: c.2233C>T, p.Arg745Ter (NM_001195573.1, NM_001271282.3, NM_001291628.2 and 1 more transcripts); short protein forms R745*.
Identifiers: ClinVar variation 412038 (VCV000412038.13), dbSNP rs1060503584, ClinGen allele CA16614533.

ClinVar aggregate classification (germline): Pathogenic/Likely pathogenic. Review status: criteria provided, multiple submitters, no conflicts (2 of 4 stars). 6 submissions from 6 submitters: Pathogenic (5); Likely pathogenic (1). Last evaluated 2025-10-14.

Conditions:
Hereditary cancer-predisposing syndrome. Also called: Hereditary neoplastic syndrome; Neoplastic Syndromes, Hereditary; Tumor predisposition; Hereditary Cancer Syndrome. Identifiers: Orphanet 140162, MedGen C0027672, MeSH D009386, MONDO:0015356.
DICER1-related tumor predisposition. Also called: DICER1-related pleuropulmonary blastoma cancer predisposition syndrome; DICER1 syndrome. Identifiers: Orphanet 284343, MedGen C3839822, MONDO:0100216.

Submissions (6):

Labcorp Genetics (formerly Invitae), Labcorp
Classification: Pathogenic for DICER1-related tumor predisposition. Last evaluated: 2025-10-14. Review status: criteria provided, single submitter. Criteria: Invitae Variant Classification Sherloc (09022015). Collection method: clinical testing. Allele origin: germline.
Comment: This sequence change creates a premature translational stop signal (p.Arg745*) in the DICER1 gene. It is expected to result in an absent or disrupted protein product. Loss-of-function variants in DICER1 are known to be pathogenic (PMID: 19556464, 21266384). This variant is not present in population databases (gnomAD no frequency). This variant has not been reported in the literature in individuals affected with DICER1-related conditions. ClinVar contains an entry for this variant (Variation ID: 412038). For these reasons, this variant has been classified as Pathogenic.

Department of Pathology and Laboratory Medicine, Sinai Health System
Classification: Pathogenic for DICER1-related tumor predisposition. Last evaluated: 2024-07-17. Review status: criteria provided, single submitter. Criteria: ACMG Guidelines, 2015. Collection method: clinical testing. Allele origin: germline.

Ambry Genetics
Classification: Pathogenic for Hereditary cancer-predisposing syndrome. Last evaluated: 2023-11-16. Review status: criteria provided, single submitter. Criteria: Ambry Variant Classification Scheme 2023. Collection method: clinical testing. Allele origin: germline.
Comment: The p.R745* pathogenic mutation (also known as c.2233C>T), located in coding exon 13 of the DICER1 gene, results from a C to T substitution at nucleotide position 2233. This changes the amino acid from an arginine to a stop codon within coding exon 13. This alteration has been reported in an infant with a malignant sacrococcygeal tumor, identified on tumor sequencing at an allele frequency of 52.3%; germline or family testing was not performed (Nakano Y et al. Mod Pathol, 2019 Dec;32:1744-1750). This variant is considered to be rare based on population cohorts in the Genome Aggregation Database (gnomAD). This alteration is expected to result in loss of function by premature protein truncation or nonsense-mediated mRNA decay. As such, this alteration is interpreted as a disease-causing mutation.

GeneDx
Classification: Pathogenic. Last evaluated: 2023-03-24. Review status: criteria provided, single submitter. Criteria: GeneDx Variant Classification Process June 2021. Collection method: clinical testing. Allele origin: germline. Affected: yes.
Comment: Nonsense variant predicted to result in protein truncation or nonsense mediated decay in a gene for which loss of function is a known mechanism of disease; Not observed at significant frequency in large population cohorts (gnomAD); This variant is associated with the following publications: (PMID: 31296931, 28524158, 24481001)

Institute for Genomic Medicine (IGM) Clinical Laboratory, Nationwide Children's Hospital
Classification: Likely pathogenic for DICER1-related tumor predisposition. Last evaluated: 2023-01-24. Review status: criteria provided, single submitter. Criteria: ACMG Guidelines, 2015. Collection method: clinical testing. Allele origin: germline.
Comment: This variant is predicted to result in loss of function through nonsense-mediated decay of the encoded transcript or premature truncation of the encoded protein in a gene in which loss of function is a known mechanism of disease (ACMG/AMP: PVS1; PMIDs:26925222, 31342592). This variant is absent from or present at an exceedingly low frequency in gnomAD, a large-scale control population database (ACMG/AMP: PM2).

Foulkes Cancer Genetics LDI, Lady Davis Institute for Medical Research
Classification: Pathogenic for Pleuropulmonary blastoma. Last evaluated: 2019-07-01. Review status: criteria provided, single submitter. Criteria: ACMG Guidelines, 2015. Collection method: curation. Allele origin: somatic. Affected: yes. Observed: 1 variant allele.
Comment: ACMG criteria met: PVS1, PM2, PP3, PP5

Literature cited by the submitters: PubMed 19556464 (cited by Labcorp Genetics (formerly Invitae), Labcorp); PubMed 21266384 (cited by Labcorp Genetics (formerly Invitae), Labcorp); PubMed 31296931 (cited by Department of Pathology and Laboratory Medicine, Sinai Health System and Ambry Genetics); PubMed 26925222 (cited by Institute for Genomic Medicine (IGM) Clinical Laboratory, Nationwide Children's Hospital); PubMed 31342592 (cited by Institute for Genomic Medicine (IGM) Clinical Laboratory, Nationwide Children's Hospital); PubMed 24481001 (cited by Foulkes Cancer Genetics LDI, Lady Davis Institute for Medical Research).